The following is an entry in ClinVar:

NM_001127898.4(CLCN5):c.1730del (p.Ala577fs)

Gene: CLCN5 (Cl-/H+ antiporter 5; plus strand). Cytogenetic location: Xp11.23.
Variant type: Deletion.
Coding change: c.1730del on transcript NM_001127898.4 (MANE Select); coding-DNA position 1730, one base deleted (C; older notation c.1730delC).
Protein change: p.Ala577fs; shifts the reading frame from alanine 577.
Molecular consequence: frameshift variant.
Genome position (GRCh38, 1-based): chrX:50,088,870, C deleted. VCF-style (leftmost placement, unchanged base first): chrX-50088869-GC-G. GRCh37 (hg19) VCF-style: chrX-49853526-GC-G.
Other names: c.1520del, p.Ala507fs (NM_000084.5); c.1730del, p.Ala577fs (NM_001127899.4); c.1580del, p.Ala527fs (NM_001282163.2); short protein forms A507fs, A527fs, A577fs.
Identifiers: ClinVar variation 988251 (VCV000988251.1), dbSNP rs1933984291, ClinGen allele CA2428769570.

ClinVar aggregate classification (germline): Likely pathogenic (0 of 4 stars; one submission).

Conditions:
Dent disease type 1 (DENT1). Also called: NEPHROLITHIASIS 2; NEPHROLITHIASIS, HYPERCALCIURIC, X-LINKED. Identifiers: Orphanet 1652, Orphanet 93622, MedGen C1848336, MONDO:0010225, OMIM 300009.

Submission:

Sydney Genome Diagnostics, Children's Hospital Westmead
Classification: Likely pathogenic for Dent disease type 1. Last evaluated: 2018-11-16. Review status: no assertion criteria provided. Collection method: clinical testing. Allele origin: unknown. Affected: yes. Observed: 1 variant allele, 1 heterozygote.
Comment: This frameshifting variant is predicted to create a premature stop codon p.(Ala507Valfs*5) and may result in a null allele due to nonsense-mediated mRNA decay. The variant has not been reported in any population databases (i.e. gnomAD, ExAC, ESP or dbSNP). To our knowledge, this variant has not been previously reported in the literature or any disease specific databases. However, other truncating variants downstream of this amino acid have been described in the ClinVar ([gene]). This variant is considered to be likely pathogenic according to the ACMG guidelines. (Evidence used: PVS1, PM2).